The following is an entry in ClinVar:

ClinVar aggregate classification (germline): Pathogenic (1 of 4 stars; one submission).

Submission:

Labcorp Genetics (formerly Invitae), Labcorp
Classification: Pathogenic. Last evaluated: 2026-01-05. Review status: criteria provided, single submitter. Criteria: Invitae Variant Classification Sherloc (09022015). Collection method: clinical testing. Allele origin: germline.
Comment: This sequence change creates a premature translational stop signal (p.Val1734Glyfs*60) in the CDH23 gene. It is expected to result in an absent or disrupted protein product. Loss-of-function variants in CDH23 are known to be pathogenic (PMID: 11138009, 21940737). This variant is not present in population databases (gnomAD no frequency). This variant has not been reported in the literature in individuals affected with CDH23-related conditions. ClinVar contains an entry for this variant (Variation ID: 1070107). For these reasons, this variant has been classified as Pathogenic.

Literature cited by the submitters: PubMed 11138009; PubMed 21940737.

NM_022124.6(CDH23):c.5201del (p.Val1734fs)

Gene: CDH23 (cadherin related 23; plus strand). Cytogenetic location: 10q22.1.
Variant type: Deletion.
Coding change: c.5201del on transcript NM_022124.6 (MANE Select); coding-DNA position 5201, one base deleted (T; older notation c.5201delT).
Protein change: p.Val1734fs; shifts the reading frame from valine 1734.
Molecular consequence: frameshift variant.
Genome position (GRCh38, 1-based): chr10:71,779,280, T deleted. VCF-style (leftmost placement, unchanged base first): chr10-71779279-GT-G. GRCh37 (hg19) VCF-style: chr10-73539036-GT-G.
Other names: short protein forms V1734fs.
Identifiers: ClinVar variation 1070107 (VCV001070107.7), dbSNP rs2132929303, ClinGen allele CA2499220338.
Genomic context (GRCh38, chr10:71,779,279, plus strand): 5'-CAAAGCTGGCTGGGGTGAGGCCTTGGCTAAGCTTTTCCACCATCTCAGGTGCTTGTGAAT[GT>G]GAATGACATCAACGACAATGTGCCTACCTTCCCCCGGGACTATGAGGGACCATTTGAAGT-3'